The following is an entry in ClinVar:

ClinVar aggregate classification (germline): Uncertain significance. Review status: criteria provided, multiple submitters, no conflicts (2 of 4 stars). 2 submissions from 2 submitters: Uncertain significance (2). Last evaluated 2025-03-05.

Conditions:
FOXC1-related disorder. Also called: FOXC1-related condition.
Inborn genetic diseases. Identifiers: MedGen C0950123, MeSH D030342.

Submissions (2):

PreventionGenetics, part of Exact Sciences
Classification: Uncertain significance for FOXC1-related condition. Last evaluated: 2025-03-05. Review status: criteria provided, single submitter. Criteria: ACMG Guidelines, 2015. Collection method: clinical testing. Allele origin: germline.
Comment: The FOXC1 c.1625C>A variant is predicted to result in the amino acid substitution p.Thr542Lys. To our knowledge, this variant has not been reported in the literature or in a large population database (gnomAD), indicating this variant is rare. At this time, the clinical significance of this variant is uncertain due to the absence of conclusive functional and genetic evidence.

Ambry Genetics
Classification: Uncertain significance for Inborn genetic diseases. Last evaluated: 2025-02-20. Review status: criteria provided, single submitter. Criteria: Ambry Variant Classification Scheme 2023. Collection method: clinical testing. Allele origin: germline.

NM_001453.3(FOXC1):c.1625C>A (p.Thr542Lys)

Gene: FOXC1 (forkhead box C1; plus strand). Cytogenetic location: 6p25.3.
Variant type: single nucleotide variant.
Coding change: c.1625C>A on transcript NM_001453.3 (MANE Select); coding-DNA position 1625, C replaced by A.
Protein change: p.Thr542Lys; replaces threonine 542 with lysine.
Molecular consequence: missense variant.
Genome position (GRCh38, 1-based): chr6:1,612,070, C>A. VCF-style: chr6-1612070-C-A. GRCh37 (hg19) VCF-style: chr6-1612305-C-A.
Other names: short protein forms T542K.
Identifiers: ClinVar variation 3851206 (VCV003851206.2).
Genomic context (GRCh38, chr6:1,612,070, plus strand): 5'-CAGTGAACGGGAATAGTAGCTGTCAAATGGCCTTCCCTTCCAGCCAGTCTCTGTACCGCA[C>A]GTCCGGAGCTTTCGTCTACGACTGTAGCAAGTTTTGACACACCCTCAAAGCCGAACTAAA-3'
Protein context (NP_001444.2, residues 532-552): AFPSSQSLYR[Thr542Lys]SGAFVYDCSK